The following is an entry in ClinVar:

ClinVar aggregate classification (germline): Uncertain significance (1 of 4 stars; one submission).

Allele frequency attached by ClinVar (database versions not stated): gnomAD 0.00001 and 0.00002; gnomAD exomes 0.00001 and 0.00002; ExAC 0.00002; TOPMed 0.00002.
gnomAD v4.1: 7 of 1,469,738 alleles (0.00048%); highest among the groups gnomAD compares: Non-Finnish European, 0.00066%; no homozygotes.

Submission:

GeneDx
Classification: Uncertain significance. Last evaluated: 2020-03-03. Review status: criteria provided, single submitter. Criteria: GeneDx Variant Classification Process June 2021. Collection method: clinical testing. Allele origin: germline. Affected: yes.
Comment: Has not been previously published as pathogenic or benign to our knowledge; In silico analysis, which includes splice predictors and evolutionary conservation, is inconclusive as to whether the variant alters gene splicing. In the absence of RNA/functional studies, the actual effect of this sequence change is unknown.; Describes a nucleotide substitution 7 base pairs upstream of exon 2, which contains the ATG translational start site of the RECQL gene

NM_002907.4(RECQL):c.-45-7T>G

Gene: RECQL (RecQ like helicase; minus strand). Cytogenetic location: 12p12.1.
Variant type: single nucleotide variant.
Coding change: c.-45-7T>G on transcript NM_002907.4 (MANE Select); 7 bases into the intron before 45 bases upstream of the start codon, T replaced by G.
Molecular consequence: intron variant.
Genome position (GRCh38, 1-based): chr12:21,499,622, A>C on the plus strand (T>G on the coding strand, the complement: RECQL is on the minus strand). VCF-style: chr12-21499622-A-C. GRCh37 (hg19) VCF-style: chr12-21652556-A-C.
Other names: c.-45-7T>G (NM_032941.3).
Identifiers: ClinVar variation 1312554 (VCV001312554.2), dbSNP rs764996429, ClinGen allele CA6479248.